The following is an entry in ClinVar:

ClinVar aggregate classification (germline): Pathogenic (1 of 4 stars; one submission).

Conditions:
Developmental and epileptic encephalopathy 94 (DEE94). Also called: CHD2-Related Neurodevelopmental Disorders; Epileptic encephalopathy, childhood-onset. Identifiers: Orphanet 1942, Orphanet 2382, MedGen C3809278, MONDO:0014150, OMIM 615369.

Submission:

Labcorp Genetics (formerly Invitae), Labcorp
Classification: Pathogenic for Developmental and epileptic encephalopathy 94. Last evaluated: 2025-01-27. Review status: criteria provided, single submitter. Criteria: Invitae Variant Classification Sherloc (09022015). Collection method: clinical testing. Allele origin: germline.
Comment: This sequence change creates a premature translational stop signal (p.Arg382Lysfs*9) in the CHD2 gene. It is expected to result in an absent or disrupted protein product. Loss-of-function variants in CHD2 are known to be pathogenic (PMID: 23708187, 24207121). This variant is not present in population databases (gnomAD no frequency). This variant has not been reported in the literature in individuals affected with CHD2-related conditions. For these reasons, this variant has been classified as Pathogenic.

Literature cited by the submitters: PubMed 23708187; PubMed 24207121.

NM_001271.4(CHD2):c.1144dup (p.Arg382fs)

Gene: CHD2 (chromodomain helicase DNA binding protein 2; plus strand). Cytogenetic location: 15q26.1.
Variant type: Duplication.
Coding change: c.1144dup on transcript NM_001271.4 (MANE Select); coding-DNA position 1144, one base duplicated (A; older notation c.1144dupA).
Protein change: p.Arg382fs; shifts the reading frame from arginine 382.
Molecular consequence: frameshift variant.
Genome position (GRCh38, 1-based): chr15:92,944,506, A duplicated; the last of 3 consecutive A bases (chr15:92,944,504-92,944,506); duplicating any one gives the same sequence. VCF-style (leftmost placement, unchanged base first): chr15-92944503-G-GA. GRCh37 (hg19) VCF-style: chr15-93487733-G-GA.
Other names: c.1144dup, p.Arg382fs (NM_001042572.3); short protein forms R382fs.
Identifiers: ClinVar variation 3729660 (VCV003729660.2).